The following is an entry in ClinVar:

ClinVar aggregate classification (germline): Likely benign (1 of 4 stars; one submission).

Conditions:
Arrhythmogenic right ventricular cardiomyopathy (ARVD). Also called: Arrhythmogenic right ventricular dysplasia; Cardiomyopathy, ARVC; Arrhythmogenic cardiomyopathy; Arrhythmogenic Right Ventricular Cardiomyopathy (ARVC). Identifiers: Orphanet 247, MedGen C0349788, MeSH D019571, MONDO:0016587. Disease mechanism: loss of function. Inheritance: Various modes of inheritance.

Submission:

All of Us Research Program, National Institutes of Health
Classification: Likely benign for Arrhythmogenic right ventricular cardiomyopathy. Last evaluated: 2023-11-02. Review status: criteria provided, single submitter. Criteria: ACMG Guidelines, 2015. Collection method: clinical testing. Allele origin: germline. Inheritance: Autosomal dominant inheritance. Observed: 1 variant allele, 1 heterozygote.
Comment: This study involves interpretation of variants in research participants for the purpose of population health screening. Participant phenotype was not available at the time of variant classification. Additional details can be found in publication PMID: 35346344, PMCID: PMC8962531

NM_001943.5(DSG2):c.570T>C (p.Asn190=)

Gene: DSG2 (desmoglein 2; plus strand). Cytogenetic location: 18q12.1.
Variant type: single nucleotide variant.
Coding change: c.570T>C on transcript NM_001943.5 (MANE Select); coding-DNA position 570, T replaced by C.
Protein change: p.Asn190=; no amino-acid change (asparagine 190 retained).
Molecular consequence: synonymous variant.
Genome position (GRCh38, 1-based): chr18:31,522,129, T>C. VCF-style: chr18-31522129-T-C. GRCh37 (hg19) VCF-style: chr18-29102092-T-C.
Identifiers: ClinVar variation 3074205 (VCV003074205.1), dbSNP rs1317950998, ClinGen allele CA503598112.
Genomic context (GRCh38, chr18:31,522,129, plus strand): 5'-ATTTCTAATGCCAGATACTCTTGTGATGAAAATCAATGCAACAGATGCAGATGAGCCCAA[T>C]ACCCTGAATTCGAAAATTTCCTATAGAATCGTATCTCTGGAGCCTGCTTATCCTCCAGTG-3'
Protein context (NP_001934.2, residues 180-200): KINATDADEP[Asn190=]TLNSKISYRI